The following is an entry in ClinVar:

NM_014956.5(CEP164):c.4376G>A (p.Arg1459His)

Gene: CEP164 (centrosomal protein 164; plus strand). Cytogenetic location: 11q23.3.
Variant type: single nucleotide variant.
Coding change: c.4376G>A on transcript NM_014956.5 (MANE Select); coding-DNA position 4376, G replaced by A.
Protein change: p.Arg1459His; replaces arginine 1459 with histidine.
Molecular consequence: missense variant.
Genome position (GRCh38, 1-based): chr11:117,412,161, G>A. VCF-style: chr11-117412161-G-A. GRCh37 (hg19) VCF-style: chr11-117282877-G-A.
Other names: c.4361G>A, p.Arg1454His (NM_001271933.2); short protein forms R1459H, R1454H.
Identifiers: ClinVar variation 1492279 (VCV001492279.5), dbSNP rs2137008848, ClinGen allele CA382746576.
Genomic context (GRCh38, chr11:117,412,161, plus strand): 5'-AAGCTACTTTGAGCCTCCTGCAGCTGGGCCTTGATGAGCACAACAGAGTGAAGGTGTATC[G>A]CTTCTGAGGCCCTGAGCAGGGGCTTGGGGCAGCCCAGCCTCTCCTCCACCCAGACCAAGT-3'
Protein context (NP_055771.4, residues 1449-1460): LDEHNRVKVY[Arg1459His]F

ClinVar aggregate classification (germline): Uncertain significance (1 of 4 stars; one submission).

Conditions:
Nephronophthisis 15 (NPHP15). Identifiers: Orphanet 3156, MedGen C3541853, MONDO:0013917, OMIM 614845.

Allele frequency attached by ClinVar (database versions not stated): gnomAD exomes 0.00001.
gnomAD v4.1: 11 of 1,613,968 alleles (0.00068%); highest among the groups gnomAD compares: Middle Eastern, 0.017%; no homozygotes.

Submission:

Labcorp Genetics (formerly Invitae), Labcorp
Classification: Uncertain significance for Nephronophthisis 15. Last evaluated: 2021-08-14. Review status: criteria provided, single submitter. Criteria: Invitae Variant Classification Sherloc (09022015). Collection method: clinical testing. Allele origin: germline.
Comment: This sequence change replaces arginine with histidine at codon 1459 of the CEP164 protein (p.Arg1459His). The arginine residue is weakly conserved and there is a small physicochemical difference between arginine and histidine. This variant is not present in population databases (ExAC no frequency). This variant has not been reported in the literature in individuals affected with CEP164-related conditions. Algorithms developed to predict the effect of missense changes on protein structure and function output the following: SIFT: "Tolerated"; PolyPhen-2: "Benign"; Align-GVGD: "Class C0". The histidine amino acid residue is found in multiple mammalian species, which suggests that this missense change does not adversely affect protein function. In summary, the available evidence is currently insufficient to determine the role of this variant in disease. Therefore, it has been classified as a Variant of Uncertain Significance.